The following is an entry in ClinVar:

ClinVar aggregate classification (germline): Conflicting classifications of pathogenicity. Review status: criteria provided, conflicting classifications (1 of 4 stars). 3 submissions from 3 submitters: Likely pathogenic (1); Uncertain significance (2). Last evaluated 2025-11-27.

Allele frequency attached by ClinVar (database versions not stated): gnomAD 0.00001; gnomAD exomes 0.00002; TOPMed 0.00002.
gnomAD v4.1: 31 of 1,614,050 alleles (0.0019%); highest among the groups gnomAD compares: Non-Finnish European, 0.0025%; no homozygotes.

Submissions (3):

Labcorp Genetics (formerly Invitae), Labcorp
Classification: Likely pathogenic. Last evaluated: 2025-11-27. Review status: criteria provided, single submitter. Criteria: Invitae Variant Classification Sherloc (09022015). Collection method: clinical testing. Allele origin: germline.
Comment: This sequence change replaces histidine, which is basic and polar, with aspartic acid, which is acidic and polar, at codon 1451 of the COL4A3 protein (p.His1451Asp). This variant is present in population databases (no rsID available, gnomAD 0.007%). This missense change has been observed in individuals with clinical features of Alport syndrome (internal data). ClinVar contains an entry for this variant (Variation ID: 592973). Invitae Evidence Modeling of protein sequence and biophysical properties (such as structural, functional, and spatial information, amino acid conservation, physicochemical variation, residue mobility, and thermodynamic stability) indicates that this missense variant is expected to disrupt COL4A3 protein function with a positive predictive value of 80%. In summary, the currently available evidence indicates that the variant is pathogenic, but additional data are needed to prove that conclusively. Therefore, this variant has been classified as Likely Pathogenic.

GeneDx
Classification: Uncertain significance. Last evaluated: 2019-11-13. Review status: criteria provided, single submitter. Criteria: GeneDx Variant Classification Process June 2021. Collection method: clinical testing. Allele origin: germline. Affected: yes.
Comment: In silico analysis, which includes protein predictors and evolutionary conservation, supports a deleterious effect; Has not been previously published as pathogenic or benign to our knowledge

Eurofins Ntd Llc (ga)
Classification: Uncertain significance. Last evaluated: 2017-07-07. Review status: criteria provided, single submitter. Criteria: EGL Classification Definitions 2015. Collection method: clinical testing. Allele origin: germline. Observed: 1 variant allele, 1 heterozygote.

NM_000091.5(COL4A3):c.4351C>G (p.His1451Asp)

Genes: COL4A3 (collagen type IV alpha 3 chain; plus strand), MFF-DT (MFF divergent transcript; minus strand). Cytogenetic location: 2q36.3.
Variant type: single nucleotide variant.
Coding change: c.4351C>G on transcript NM_000091.5 (MANE Select); coding-DNA position 4351, C replaced by G.
Protein change: p.His1451Asp; replaces histidine 1451 with aspartic acid.
Molecular consequence: missense variant.
Genome position (GRCh38, 1-based): chr2:227,307,808, C>G. VCF-style: chr2-227307808-C-G. GRCh37 (hg19) VCF-style: chr2-228172524-C-G.
Other names: short protein forms H1451D.
Identifiers: ClinVar variation 592973 (VCV000592973.12), dbSNP rs1291948462, ClinGen allele CA350864302.